The following is an entry in ClinVar:

NM_004004.6(GJB2):c.79_82delinsAGA (p.Val27fs)

Gene: GJB2 (gap junction protein beta 2; minus strand). Cytogenetic location: 13q12.11.
Variant type: Indel.
Coding change: c.79_82delinsAGA on transcript NM_004004.6 (MANE Select); coding-DNA positions 79 to 82, GTCC replaced by AGA.
Protein change: p.Val27fs; shifts the reading frame from valine 27.
Molecular consequence: frameshift variant.
Genome position (GRCh38, 1-based): chr13:20,189,500-20,189,503, GGAC replaced by TCT on the plus strand (GTCC replaced by AGA on the coding strand, the reverse complement: GJB2 is on the minus strand). VCF-style: chr13-20189500-GGAC-TCT. GRCh37 (hg19) VCF-style: chr13-20763639-GGAC-TCT.
Other names: c.79_82delGTCCinsAGA (NM_004004.6); short protein forms V27fs.
Identifiers: ClinVar variation 1202621 (VCV001202621.1), dbSNP rs2137308740, ClinGen allele CA2499221955.

ClinVar aggregate classification (germline): Pathogenic (1 of 4 stars; one submission).

Conditions:
Autosomal recessive nonsyndromic hearing loss 1A (DFNB1A). Also called: GJB6-Related DFNB 1 Nonsyndromic Hearing Loss and Deafness; Deafness, autosomal recessive 1A; GJB2-Related Autosomal Recessive Nonsyndromic Hearing Loss; Nonsyndromic Hearing Loss and Deafness, DFNB1; Connexin 26 deafness; Deafness nonsyndromic, Connexin 26 linked. Identifiers: Orphanet 90636, MedGen C2673759, MONDO:0009076, OMIM 220290.

Submission:

Laboratory of Molecular, Cellular and Translation Genetics in Otolaryngology/ Lim32-hcfmusp, University of Sao Paulo School of Medicine Clinics Hospital
Classification: Pathogenic for Autosomal recessive nonsyndromic hearing loss 1A. Review status: criteria provided, single submitter. Criteria: ClinGen HL ACMG Specifications v1. Collection method: research. Allele origin: germline. Inheritance: Autosomal recessive inheritance. Affected: yes. Observed: 1 variant allele, 1 compound heterozygote.

Literature cited by the submitters: PubMed 34599368.